The following is an entry in ClinVar:

ClinVar aggregate classification (germline): Uncertain significance (1 of 4 stars; one submission).

Submission:

Labcorp Genetics (formerly Invitae), Labcorp
Classification: Uncertain significance. Last evaluated: 2025-09-14. Review status: criteria provided, single submitter. Criteria: Invitae Variant Classification Sherloc (09022015). Collection method: clinical testing. Allele origin: germline.
Comment: This sequence change falls in intron 3 of the ITGAM gene. It does not directly change the encoded amino acid sequence of the ITGAM protein. It affects a nucleotide within the consensus splice site. This variant is not present in population databases (gnomAD no frequency). This variant has not been reported in the literature in individuals affected with ITGAM-related conditions. Variants that disrupt the consensus splice site are a relatively common cause of aberrant splicing (PMID: 17576681, 9536098). Algorithms developed to predict the effect of sequence changes on RNA splicing suggest that this variant may disrupt the consensus splice site. In summary, the available evidence is currently insufficient to determine the role of this variant in disease. Therefore, it has been classified as a Variant of Uncertain Significance.

Literature cited by the submitters: PubMed 17576681; PubMed 9536098.

NM_000632.4(ITGAM):c.238_238+3dup

Genes: ITGAM (integrin subunit alpha M; plus strand), LOC126862331 (P300/CBP strongly-dependent group 1 enhancer GRCh37_chr16:31276375-31277574; plus strand). Cytogenetic location: 16p11.2.
Variant type: Duplication.
Coding change: c.238_238+3dup on transcript NM_000632.4 (MANE Select); coding-DNA position 238 through 3 bases into the intron after coding-DNA position 238, 4 bases duplicated (GGTG; older notation c.238_238+3dupGGTG).
Molecular consequence: splice donor variant.
Genome position (GRCh38, 1-based): chr16:31,265,498-31,265,501, GGTG duplicated; duplicating any 4 consecutive bases within chr16:31,265,497-31,265,501 gives the same sequence; the c. name uses the placement nearest the transcript's 3' end. VCF-style (leftmost placement, unchanged base first): chr16-31265496-A-AGGGT. GRCh37 (hg19) VCF-style: chr16-31276817-A-AGGGT.
Other names: c.238_238+3dup (NM_001145808.2).
Identifiers: ClinVar variation 4777883 (VCV004777883.1).